The following is an entry in ClinVar:

NM_003970.4(MYOM2):c.389C>G (p.Ala130Gly)

Gene: MYOM2 (myomesin 2; plus strand). Cytogenetic location: 8p23.3.
Variant type: single nucleotide variant.
Coding change: c.389C>G on transcript NM_003970.4 (MANE Select); coding-DNA position 389, C replaced by G.
Protein change: p.Ala130Gly; replaces alanine 130 with glycine.
Molecular consequence: missense variant.
Genome position (GRCh38, 1-based): chr8:2,057,473, C>G. VCF-style: chr8-2057473-C-G. GRCh37 (hg19) VCF-style: chr8-2005591-C-G.
Other names: c.389C>G (NM_003970.3); short protein forms A130G.
Identifiers: ClinVar variation 2658306 (VCV002658306.25), dbSNP rs138240288, ClinGen allele CA170441969.

ClinVar aggregate classification (germline): Likely benign. Review status: criteria provided, single submitter (1 of 4 stars). 2 submissions from 2 submitters: Likely benign (1). 1 of the submissions does not count toward it. Last evaluated 2024-08-01.

Conditions:
MYOM2-related disorder. Also called: MYOM2-related condition.

Allele frequency attached by ClinVar (database versions not stated): 1000 Genomes Project 0.00040; 1000 Genomes Project 30x 0.00047; ExAC 0.00085; gnomAD 0.00098; TOPMed 0.00105; ESP Exome Variant Server 0.00108; gnomAD exomes 0.00131.
gnomAD v4.1: 2,057 of 1,613,986 alleles (0.13%); highest among the groups gnomAD compares: Middle Eastern, 0.3%; 4 homozygotes.

Submissions (2):

CeGaT Center for Human Genetics Tuebingen
Classification: Likely benign. Last evaluated: 2024-08-01. Review status: criteria provided, single submitter. Criteria: CeGaT Center For Human Genetics Tuebingen Variant Classification Criteria Version 2. Collection method: clinical testing. Allele origin: germline. Affected: yes. Observed: 3 variant alleles.
Comment: MYOM2: BP4, BS2

PreventionGenetics, part of Exact Sciences
Classification: Likely benign for MYOM2-related condition. Last evaluated: 2023-02-28. Review status: no assertion criteria provided. Collection method: clinical testing. Allele origin: germline. Not counted in ClinVar's aggregate classification.
Comment: This variant is classified as likely benign based on ACMG/AMP sequence variant interpretation guidelines (Richards et al. 2015 PMID: 25741868, with internal and published modifications).